The following is an entry in ClinVar:

NM_001142800.2(EYS):c.-448+5G>A

Gene: EYS (EGF-like photoreceptor maintenance factor; minus strand). Cytogenetic location: 6q12.
Variant type: single nucleotide variant.
Coding change: c.-448+5G>A on transcript NM_001142800.2 (MANE Select); 5 bases into the intron after 448 bases upstream of the start codon, G replaced by A.
Molecular consequence: intron variant.
Genome position (GRCh38, 1-based): chr6:65,707,130, C>T on the plus strand (G>A on the coding strand, the complement: EYS is on the minus strand). VCF-style: chr6-65707130-C-T. GRCh37 (hg19) VCF-style: chr6-66417023-C-T.
Other names: c.-448+5G>A (NM_001292009.2, NM_001142801.2).
Identifiers: ClinVar variation 865902 (VCV000865902.10), dbSNP rs1175129177, ClinGen allele CA567777563.

ClinVar aggregate classification (germline): Conflicting classifications of pathogenicity. Review status: criteria provided, conflicting classifications (1 of 4 stars). 5 submissions from 5 submitters: Pathogenic (1); Likely pathogenic (2); Uncertain significance (1); Likely benign (1). Last evaluated 2026-04-21.

Conditions:
Retinitis pigmentosa 25 (RP25). Identifiers: Orphanet 791, MedGen C1864446, MONDO:0011272, OMIM 602772.
EYS-related disorder. Also called: EYS-related condition.

Allele frequency attached by ClinVar (database versions not stated): gnomAD 0.00002; TOPMed 0.00002.
gnomAD v4.1: 3 of 152,088 alleles (0.002%); highest among the groups gnomAD compares: Non-Finnish European, 0.0044%; no homozygotes.

Submissions (5):

PreventionGenetics, part of Exact Sciences
Classification: Likely pathogenic for EYS-related condition. Last evaluated: 2026-04-21. Review status: criteria provided, single submitter. Criteria: ACMG Guidelines, 2015. Collection method: clinical testing. Allele origin: germline.
Comment: The EYS c.-448+5G>A variant is located in the 5' untranslated region. This variant is predicted to weaken the nearby splice donor site (SpliceAI, Jaganathan et al. 2019. PubMed ID: 30661751). This variant has been reported along with an EYS frameshift variant (Eisenberger et al. 2013. PubMed ID: 24265693), with an EYS nonsense variant (Hitti-Malin et al. 2022. PubMed ID: 36259723), and with an EYS splice site variant at position -3 (Lin et al. 2024. PubMed ID: 38219857). This variant is reported in 0.0065% of alleles in individuals of European (Non-Finnish) descent in gnomAD. Given the evidence, we interpret this variant as likely pathogenic.

Labcorp Genetics (formerly Invitae), Labcorp
Classification: Likely benign. Last evaluated: 2025-12-01. Review status: criteria provided, single submitter. Criteria: Invitae Variant Classification Sherloc (09022015). Collection method: clinical testing. Allele origin: germline.

Baylor Genetics
Classification: Likely pathogenic for Retinitis pigmentosa 25. Last evaluated: 2024-02-09. Review status: criteria provided, single submitter. Criteria: ACMG Guidelines, 2015. Collection method: clinical testing. Allele origin: unknown.

Blueprint Genetics
Classification: Pathogenic for EYS-related disorders. Last evaluated: 2022-01-27. Review status: criteria provided, single submitter. Criteria: ACMG Guidelines, 2015. Collection method: clinical testing. Allele origin: germline. Affected: yes. Observed: 5 variant alleles.

Ocular Genomics Institute, Massachusetts Eye and Ear
Classification: Uncertain significance for Retinitis pigmentosa 25. Last evaluated: 2021-04-08. Review status: criteria provided, single submitter. Criteria: ACMG Guidelines, 2015. Collection method: research. Allele origin: germline. Affected: yes.
Comment: Through a review of available evidence we were able to apply the following criteria: PM2, PM3. Based on this evidence we have classified this variant as Variant of Uncertain Significance.

Literature cited by the submitters: PubMed 24265693 (cited by Ocular Genomics Institute, Massachusetts Eye and Ear); PubMed 20237254 (cited by Ocular Genomics Institute, Massachusetts Eye and Ear).